The following is an entry in ClinVar:

NM_001106.4(ACVR2B):c.1402C>T (p.Arg468Cys)

Gene: ACVR2B (activin A receptor type 2B; plus strand). Cytogenetic location: 3p22.2.
Variant type: single nucleotide variant.
Coding change: c.1402C>T on transcript NM_001106.4 (MANE Select); coding-DNA position 1402, C replaced by T.
Protein change: p.Arg468Cys; replaces arginine 468 with cysteine.
Molecular consequence: missense variant.
Genome position (GRCh38, 1-based): chr3:38,483,195, C>T. VCF-style: chr3-38483195-C-T. GRCh37 (hg19) VCF-style: chr3-38524686-C-T.
Other names: short protein forms R468C.
Identifiers: ClinVar variation 3690258 (VCV003690258.2).

ClinVar aggregate classification (germline): Uncertain significance (1 of 4 stars; one submission).

Conditions:
Heterotaxy, visceral, 4, autosomal (HTX4). Identifiers: Orphanet 450, MedGen C3151057, MONDO:0013403, OMIM 613751.

Submission:

Labcorp Genetics (formerly Invitae), Labcorp
Classification: Uncertain significance for Heterotaxy, visceral, 4, autosomal. Last evaluated: 2024-10-26. Review status: criteria provided, single submitter. Criteria: Invitae Variant Classification Sherloc (09022015). Collection method: clinical testing. Allele origin: germline.
Comment: This sequence change replaces arginine, which is basic and polar, with cysteine, which is neutral and slightly polar, at codon 468 of the ACVR2B protein (p.Arg468Cys). This variant is not present in population databases (gnomAD no frequency). This variant has not been reported in the literature in individuals affected with ACVR2B-related conditions. Invitae Evidence Modeling of protein sequence and biophysical properties (such as structural, functional, and spatial information, amino acid conservation, physicochemical variation, residue mobility, and thermodynamic stability) indicates that this missense variant is expected to disrupt ACVR2B protein function with a positive predictive value of 95%. In summary, the available evidence is currently insufficient to determine the role of this variant in disease. Therefore, it has been classified as a Variant of Uncertain Significance.